The following is an entry in ClinVar:

ClinVar aggregate classification (germline): Uncertain significance. Review status: criteria provided, multiple submitters, no conflicts (2 of 4 stars). 2 submissions from 2 submitters: Uncertain significance (2). Last evaluated 2025-06-09.

gnomAD v4.1: 1 of 1,209,140 alleles (0.000083%); highest among the groups gnomAD compares: Admixed American, 0.0022%; no homozygotes.

Submissions (2):

GeneDx
Classification: Uncertain significance. Last evaluated: 2025-06-09. Review status: criteria provided, single submitter. Criteria: GeneDx Variant Classification Process June 2021. Collection method: clinical testing. Allele origin: germline. Affected: yes.
Comment: Not observed at significant frequency in large population cohorts (gnomAD); In silico analysis supports that this missense variant has a deleterious effect on protein structure/function; Has not been previously published as pathogenic or benign to our knowledge

Labcorp Genetics (formerly Invitae), Labcorp
Classification: Uncertain significance. Last evaluated: 2024-09-21. Review status: criteria provided, single submitter. Criteria: Invitae Variant Classification Sherloc (09022015). Collection method: clinical testing. Allele origin: germline.
Comment: This sequence change replaces proline, which is neutral and non-polar, with serine, which is neutral and polar, at codon 2509 of the HUWE1 protein (p.Pro2509Ser). This variant is not present in population databases (gnomAD no frequency). This variant has not been reported in the literature in individuals affected with HUWE1-related conditions. Invitae Evidence Modeling of protein sequence and biophysical properties (such as structural, functional, and spatial information, amino acid conservation, physicochemical variation, residue mobility, and thermodynamic stability) indicates that this missense variant is expected to disrupt HUWE1 protein function with a positive predictive value of 80%. In summary, the available evidence is currently insufficient to determine the role of this variant in disease. Therefore, it has been classified as a Variant of Uncertain Significance.

NM_031407.7(HUWE1):c.7525C>T (p.Pro2509Ser)

Gene: HUWE1 (HECT, UBA and WWE domain containing E3 ubiquitin protein ligase 1; minus strand). Cytogenetic location: Xp11.22.
Variant type: single nucleotide variant.
Coding change: c.7525C>T on transcript NM_031407.7 (MANE Select); coding-DNA position 7525, C replaced by T.
Protein change: p.Pro2509Ser; replaces proline 2509 with serine.
Molecular consequence: missense variant.
Genome position (GRCh38, 1-based): chrX:53,560,399, G>A on the plus strand (C>T on the coding strand, the complement: HUWE1 is on the minus strand). VCF-style: chrX-53560399-G-A. GRCh37 (hg19) VCF-style: chrX-53587360-G-A.
Other names: c.7525C>T (NM_031407.4); short protein forms P2509S.
Identifiers: ClinVar variation 3685654 (VCV003685654.3).